The following is an entry in ClinVar:

ClinVar aggregate classification (germline): Uncertain significance. Review status: criteria provided, multiple submitters, no conflicts (2 of 4 stars). 3 submissions from 3 submitters: Uncertain significance (3). Last evaluated 2026-06-13.

Conditions:
Inborn genetic diseases. Identifiers: MedGen C0950123, MeSH D030342.
Joubert syndrome. Also called: Familial aplasia of the vermis; JOUBERT-BOLTSHAUSER SYNDROME. Identifiers: Orphanet 475, MedGen C5979921, MONDO:0018772.
IFT74-related disorder. Also called: IFT74-related condition; IFT74-Related Disorders.

Allele frequency attached by ClinVar (database versions not stated): gnomAD 0.00004; gnomAD exomes 0.00005 and 0.00012; TOPMed 0.00005; ExAC 0.00006.
gnomAD v4.1: 173 of 1,595,504 alleles (0.011%); highest among the groups gnomAD compares: Non-Finnish European, 0.015%; no homozygotes.

Submissions (4):

PreventionGenetics, part of Exact Sciences
Classification: Uncertain significance for IFT74-related condition. Last evaluated: 2026-06-13. Review status: criteria provided, single submitter. Criteria: ACMG Guidelines, 2015. Collection method: clinical testing. Allele origin: germline.
Comment: The IFT74 c.1643A>G variant is predicted to result in the amino acid substitution p.Lys548Arg. To our knowledge, this variant has not been reported in the literature. This variant is reported in 0.012% of alleles in individuals of European (non-Finnish) descent in gnomAD. At this time, the clinical significance of this variant is uncertain due to the absence of conclusive functional and genetic evidence.

Ambry Genetics
Classification: Uncertain significance for Inborn genetic diseases. Last evaluated: 2024-08-15. Review status: criteria provided, single submitter. Criteria: Ambry Variant Classification Scheme 2023. Collection method: clinical testing. Allele origin: germline.

Labcorp Genetics (formerly Invitae), Labcorp
Classification: Uncertain significance. Last evaluated: 2022-06-28. Review status: criteria provided, single submitter. Criteria: Invitae Variant Classification Sherloc (09022015). Collection method: clinical testing. Allele origin: germline.
Comment: This sequence change replaces lysine, which is basic and polar, with arginine, which is basic and polar, at codon 548 of the IFT74 protein (p.Lys548Arg). This variant is present in population databases (rs201462617, gnomAD 0.01%). This variant has not been reported in the literature in individuals affected with IFT74-related conditions. Algorithms developed to predict the effect of missense changes on protein structure and function are either unavailable or do not agree on the potential impact of this missense change (SIFT: "Tolerated"; PolyPhen-2: "Possibly Damaging"; Align-GVGD: "Class C0"). In summary, the available evidence is currently insufficient to determine the role of this variant in disease. Therefore, it has been classified as a Variant of Uncertain Significance.

Dr. Peter K. Rogan Lab, Western University
No classification provided (evidence only). Condition: Melanoma. Review status: no classification provided. Collection method: in vitro. Allele origin: not applicable. Functional consequence: retained intron. Not counted in ClinVar's aggregate classification.

NM_025103.4(IFT74):c.1643A>G (p.Lys548Arg)

Gene: IFT74 (intraflagellar transport 74; plus strand). Cytogenetic location: 9p21.2.
Variant type: single nucleotide variant.
Coding change: c.1643A>G on transcript NM_025103.4 (MANE Select); coding-DNA position 1643, A replaced by G.
Protein change: p.Lys548Arg; replaces lysine 548 with arginine.
Molecular consequence: missense variant.
Genome position (GRCh38, 1-based): chr9:27,060,610, A>G. VCF-style: chr9-27060610-A-G. GRCh37 (hg19) VCF-style: chr9-27060608-A-G.
Other names: c.1643A>G, p.Lys548Arg (NM_001099222.3, NM_001099223.3, NM_001349928.2); c.1643A>G (NM_001099222.1, NM_025103.2); short protein forms K548R.
Identifiers: ClinVar variation 1378612 (VCV001378612.9), dbSNP rs201462617, ClinGen allele CA5015739.